The following is an entry in ClinVar:

NM_000255.4(MMUT):c.1565A>C (p.Lys522Thr)

Gene: MMUT (methylmalonyl-CoA mutase; minus strand). Cytogenetic location: 6p12.3.
Variant type: single nucleotide variant.
Coding change: c.1565A>C on transcript NM_000255.4 (MANE Select); coding-DNA position 1565, A replaced by C.
Protein change: p.Lys522Thr; replaces lysine 522 with threonine.
Molecular consequence: missense variant.
Genome position (GRCh38, 1-based): chr6:49,444,750, T>G on the plus strand (A>C on the coding strand, the complement: MMUT is on the minus strand). VCF-style: chr6-49444750-T-G. GRCh37 (hg19) VCF-style: chr6-49412463-T-G.
Other names: short protein forms K522T.
Identifiers: ClinVar variation 2197297 (VCV002197297.1), dbSNP rs144665233, ClinGen allele CA3846817.

ClinVar aggregate classification (germline): Uncertain significance (1 of 4 stars; one submission).

gnomAD v4.1: 7 of 1,611,382 alleles (0.00043%); highest among the groups gnomAD compares: Admixed American, 0.0017%; no homozygotes.

Submission:

Labcorp Genetics (formerly Invitae), Labcorp
Classification: Uncertain significance. Last evaluated: 2021-10-20. Review status: criteria provided, single submitter. Criteria: Invitae Variant Classification Sherloc (09022015). Collection method: clinical testing. Allele origin: germline.
Comment: This sequence change replaces lysine, which is basic and polar, with threonine, which is neutral and polar, at codon 522 of the MUT protein (p.Lys522Thr). This variant is present in population databases (rs144665233, gnomAD 0.003%). This variant has not been reported in the literature in individuals affected with MUT-related conditions. Algorithms developed to predict the effect of missense changes on protein structure and function are either unavailable or do not agree on the potential impact of this missense change (SIFT: "Deleterious"; PolyPhen-2: "Benign"; Align-GVGD: "Class C0"). In summary, the available evidence is currently insufficient to determine the role of this variant in disease. Therefore, it has been classified as a Variant of Uncertain Significance.